The following is an entry in ClinVar:

ClinVar aggregate classification (germline): Uncertain significance. Review status: criteria provided, multiple submitters, no conflicts (2 of 4 stars). 4 submissions from 4 submitters: Uncertain significance (3). 1 of the submissions does not count toward it. Last evaluated 2026-04-27.

Conditions:
Inborn genetic diseases. Identifiers: MedGen C0950123, MeSH D030342.
VPS13B-related disorder. Also called: VPS13B-related condition.
Cohen syndrome (COH1). Also called: Cutis verticis gyrata, retinitis pigmentosa, and sensorineural deafness; PEPPER SYNDROME. Identifiers: Orphanet 193, MedGen C0265223, MONDO:0008999, OMIM 216550.

Allele frequency attached by ClinVar (database versions not stated): gnomAD exomes below 0.00001 and 0.00002; ExAC 0.00001; TOPMed 0.00004; ESP Exome Variant Server 0.00008.
gnomAD v4.1: 31 of 1,614,100 alleles (0.0019%); highest among the groups gnomAD compares: Non-Finnish European, 0.0025%; no homozygotes.

Submissions (4):

PreventionGenetics, part of Exact Sciences
Classification: Uncertain significance for VPS13B-related condition. Last evaluated: 2026-04-27. Review status: criteria provided, single submitter. Criteria: ACMG Guidelines, 2015. Collection method: clinical testing. Allele origin: germline.
Comment: The VPS13B c.2555C>T variant is predicted to result in the amino acid substitution p.Ser852Leu. To our knowledge, this variant has not been reported in the literature. This variant is reported in 0.0062% of alleles in individuals of African descent in gnomAD. At this time, the clinical significance of this variant is uncertain due to the absence of conclusive functional and genetic evidence.

Ambry Genetics
Classification: Uncertain significance for Inborn genetic diseases. Last evaluated: 2024-09-18. Review status: criteria provided, single submitter. Criteria: Ambry Variant Classification Scheme 2023. Collection method: clinical testing. Allele origin: germline.

Labcorp Genetics (formerly Invitae), Labcorp
Classification: Uncertain significance for Cohen syndrome. Last evaluated: 2022-08-31. Review status: criteria provided, single submitter. Criteria: Invitae Variant Classification Sherloc (09022015). Collection method: clinical testing. Allele origin: germline.
Comment: This sequence change replaces serine, which is neutral and polar, with leucine, which is neutral and non-polar, at codon 852 of the VPS13B protein (p.Ser852Leu). This variant is present in population databases (rs147682334, gnomAD 0.007%). This variant has not been reported in the literature in individuals affected with VPS13B-related conditions. ClinVar contains an entry for this variant (Variation ID: 1059039). Algorithms developed to predict the effect of missense changes on protein structure and function are either unavailable or do not agree on the potential impact of this missense change (SIFT: "Not Available"; PolyPhen-2: "Possibly Damaging"; Align-GVGD: "Not Available"). In summary, the available evidence is currently insufficient to determine the role of this variant in disease. Therefore, it has been classified as a Variant of Uncertain Significance.

Natera, Inc.
Classification: Uncertain significance for Cohen syndrome. Last evaluated: 2020-07-14. Review status: no assertion criteria provided. Collection method: clinical testing. Allele origin: germline. Not counted in ClinVar's aggregate classification.

NM_152564.5(VPS13B):c.2555C>T (p.Ser852Leu)

Gene: VPS13B (vacuolar protein sorting 13 homolog B; plus strand). Cytogenetic location: 8q22.2.
Variant type: single nucleotide variant.
Coding change: c.2555C>T on transcript NM_152564.5 (MANE Select); coding-DNA position 2555, C replaced by T.
Protein change: p.Ser852Leu; replaces serine 852 with leucine.
Molecular consequence: missense variant.
Genome position (GRCh38, 1-based): chr8:99,274,237, C>T. VCF-style: chr8-99274237-C-T. GRCh37 (hg19) VCF-style: chr8-100286465-C-T.
Other names: c.2555C>T, p.Ser852Leu (NM_017890.5); c.2555C>T (NM_017890.3, NM_152564.4); short protein forms S852L.
Identifiers: ClinVar variation 1059039 (VCV001059039.9), dbSNP rs147682334, ClinGen allele CA4822954.